The following is an entry in ClinVar:

ClinVar aggregate classification (germline): Conflicting classifications of pathogenicity. Review status: criteria provided, conflicting classifications (1 of 4 stars). 4 submissions from 4 submitters: Uncertain significance (3); Likely benign (1). Last evaluated 2024-12-24.

Conditions:
Idiopathic generalized epilepsy. Also called: Generalised epilepsy; EIG. Identifiers: MedGen C0270850, MONDO:0005579, OMIM 600669.
Hyperaldosteronism, familial, type IV (HALD4). Also called: FH IV; ALDOSTERONISM, PRIMARY, AND HYPERTENSION. Identifiers: Orphanet 642671, MedGen C4310756, MONDO:0014875, OMIM 617027.
Inborn genetic diseases. Identifiers: MedGen C0950123, MeSH D030342.
Epilepsy, childhood absence, susceptibility to, 6. Identifiers: Orphanet 64280, MedGen C2749872, MONDO:0012763, OMIM 611942.

Allele frequency attached by ClinVar (database versions not stated): TOPMed 0.00002; ExAC 0.00006; gnomAD exomes 0.00007; 1000 Genomes Project 30x 0.00016.
gnomAD v4.1: 90 of 1,496,708 alleles (0.006%); highest among the groups gnomAD compares: Non-Finnish European, 0.0077%; no homozygotes.

Submissions (4):

Labcorp Genetics (formerly Invitae), Labcorp
Classification: Uncertain significance for Idiopathic generalized epilepsy; Hyperaldosteronism, familial, type IV. Last evaluated: 2024-12-24. Review status: criteria provided, single submitter. Criteria: Invitae Variant Classification Sherloc (09022015). Collection method: clinical testing. Allele origin: germline.
Comment: This sequence change replaces arginine, which is basic and polar, with histidine, which is basic and polar, at codon 2068 of the CACNA1H protein (p.Arg2068His). The frequency data for this variant in the population databases is considered unreliable, as metrics indicate poor data quality at this position in the gnomAD database. This variant has not been reported in the literature in individuals affected with CACNA1H-related conditions. ClinVar contains an entry for this variant (Variation ID: 948072). Invitae Evidence Modeling of protein sequence and biophysical properties (such as structural, functional, and spatial information, amino acid conservation, physicochemical variation, residue mobility, and thermodynamic stability) indicates that this missense variant is not expected to disrupt CACNA1H protein function with a negative predictive value of 80%. In summary, the available evidence is currently insufficient to determine the role of this variant in disease. Therefore, it has been classified as a Variant of Uncertain Significance.

Ambry Genetics
Classification: Uncertain significance for Inborn genetic diseases. Last evaluated: 2024-05-23. Review status: criteria provided, single submitter. Criteria: Ambry Variant Classification Scheme 2023. Collection method: clinical testing. Allele origin: germline.

Fulgent Genetics
Classification: Uncertain significance for Epilepsy, childhood absence, susceptibility to, 6; Hyperaldosteronism, familial, type IV. Last evaluated: 2024-04-16. Review status: criteria provided, single submitter. Criteria: ACMG Guidelines, 2015. Collection method: clinical testing. Allele origin: germline.

Blueprint Genetics
Classification: Likely benign. Last evaluated: 2023-05-17. Review status: criteria provided, single submitter. Criteria: ACMG Guidelines, 2015. Collection method: clinical testing. Allele origin: germline.

NM_021098.3(CACNA1H):c.6203G>A (p.Arg2068His)

Gene: CACNA1H (calcium voltage-gated channel subunit alpha1 H; plus strand). Cytogenetic location: 16p13.3.
Variant type: single nucleotide variant.
Coding change: c.6203G>A on transcript NM_021098.3 (MANE Select); coding-DNA position 6203, G replaced by A.
Protein change: p.Arg2068His; replaces arginine 2068 with histidine.
Molecular consequence: missense variant.
Genome position (GRCh38, 1-based): chr16:1,220,135, G>A. VCF-style: chr16-1220135-G-A. GRCh37 (hg19) VCF-style: chr16-1270135-G-A.
Other names: c.6185G>A, p.Arg2062His (NM_001005407.2); short protein forms R2068H, R2062H.
Identifiers: ClinVar variation 948072 (VCV000948072.12), dbSNP rs765706404, ClinGen allele CA7802266.